The following is an entry in ClinVar:

ClinVar aggregate classification (germline): Pathogenic (0 of 4 stars; one submission).

Conditions:
Dyskeratosis congenita, autosomal dominant 1 (DKCA1). Also called: Dyskeratosis congenita Scoggins type. Identifiers: Orphanet 1775, MedGen C4551974, MONDO:0007485, OMIM 127550. Inheritance: Variable.

Submission:

GeneReviews
Classification: Pathogenic for Dyskeratosis Congenita. Last evaluated: 2012-05-10. Review status: no assertion criteria provided. Collection method: curation. Allele origin: unknown.
ClinVar note: Converted during submission from pathologic to Pathogenic.

NR_001566.3(TERC):n.48A>G

Genes: TERC (telomerase RNA component; minus strand), LOC110806306 (telomerase RNA component (TERC) promoter; plus strand). Cytogenetic location: 3q26.2.
Variant type: single nucleotide variant.
Genome position: GRCh38 VCF-style: chr3-169765013-T-C. GRCh37 (hg19) VCF-style: chr3-169482801-T-C.
Other names: NR_001566.1:r.48a>g (A48G).
Identifiers: ClinVar variation 39297 (VCV000039297.3), dbSNP rs199422262, ClinGen allele CA343769.
Genomic context (GRCh38, chr3:169,765,013, plus strand): 5'-GCGAGAAAAACAGCGCGCGGGGAGCAAAAGCACGGCGCCTACGCCCTTCTCAGTTAGGGT[T>C]AGACAAAAAATGGCCACCACCCCTCCCAGGCCCACCCTCCGCAACCCGGTGCGCTGCCGG-3'